The following is an entry in ClinVar:

NM_152713.5(STT3A):c.689G>A (p.Gly230Asp)

Gene: STT3A (STT3 oligosaccharyltransferase complex catalytic subunit A; plus strand). Cytogenetic location: 11q24.2.
Variant type: single nucleotide variant.
Coding change: c.689G>A on transcript NM_152713.5 (MANE Select); coding-DNA position 689, G replaced by A.
Protein change: p.Gly230Asp; replaces glycine 230 with aspartic acid.
Molecular consequence: missense variant.
Genome position (GRCh38, 1-based): chr11:125,606,374, G>A. VCF-style: chr11-125606374-G-A. GRCh37 (hg19) VCF-style: chr11-125476269-G-A.
Other names: c.689G>A, p.Gly230Asp (NM_001278503.2); c.413G>A, p.Gly138Asp (NM_001278504.2); short protein forms G138D, G230D.
Identifiers: ClinVar variation 4074620 (VCV004074620.1).

ClinVar aggregate classification (germline): Uncertain significance (1 of 4 stars; one submission).

Submission:

GeneDx
Classification: Uncertain significance. Last evaluated: 2025-02-10. Review status: criteria provided, single submitter. Criteria: GeneDx Variant Classification Process June 2021. Collection method: clinical testing. Allele origin: germline. Affected: yes.
Comment: Not observed at significant frequency in large population cohorts (gnomAD); In silico analysis supports that this missense variant has a deleterious effect on protein structure/function; Has not been previously published as pathogenic or benign to our knowledge